The following is an entry in ClinVar:

NM_031924.8(RSPH3):c.-95G>A

Gene: RSPH3 (radial spoke head 3; minus strand). Cytogenetic location: 6q25.3.
Variant type: single nucleotide variant.
Coding change: c.-95G>A on transcript NM_031924.8 (MANE Select); 95 bases upstream of the start codon, G replaced by A.
Molecular consequence: 5 prime UTR variant. On other transcripts: nonsense (1), non-coding transcript variant (1).
Genome position (GRCh38, 1-based): chr6:158,999,645, C>T on the plus strand (G>A on the coding strand, the complement: RSPH3 is on the minus strand). VCF-style: chr6-158999645-C-T. GRCh37 (hg19) VCF-style: chr6-159420677-C-T.
Other names: c.332G>A, p.Trp111Ter (NM_001346418.1); c.332G>A (NM_031924.5); short protein forms W111*.
Identifiers: ClinVar variation 1366054 (VCV001366054.8), dbSNP rs374014611, ClinGen allele CA4076040.
Genomic context (GRCh38, chr6:158,999,645, plus strand): 5'-TTGGCTTTGAAGCAGGTGGGCGCTAAGGTGTTGTGGGACCCGGAGAGATGTAAGTAGTGC[C>T]AAGGGCAAGGATTCCGCGACGCGAGGAGAGGCGACAACAAGGGAGGCGGGCGGGACGGGA-3'

ClinVar aggregate classification (germline): Conflicting classifications of pathogenicity. Review status: criteria provided, conflicting classifications (1 of 4 stars). 3 submissions from 3 submitters: Pathogenic (2); Uncertain significance (1). Last evaluated 2026-08-25.

Conditions:
Primary ciliary dyskinesia 32. Also called: CILIARY DYSKINESIA, PRIMARY, 32, WITHOUT SITUS INVERSUS. Identifiers: Orphanet 244, MedGen C4225311, MONDO:0014657, OMIM 616481.
RSPH3-related disorder. Also called: RSPH3-related condition.

Allele frequency attached by ClinVar (database versions not stated): gnomAD 0.00001; TOPMed 0.00002; gnomAD exomes 0.00005; ExAC 0.00007; ESP Exome Variant Server 0.00008.
gnomAD v4.1: 76 of 1,613,914 alleles (0.0047%); highest among the groups gnomAD compares: Non-Finnish European, 0.0062%; no homozygotes.

Submissions (3):

PreventionGenetics, part of Exact Sciences
Classification: Uncertain significance for RSPH3-related condition. Last evaluated: 2026-08-25. Review status: criteria provided, single submitter. Criteria: ACMG Guidelines, 2015. Collection method: clinical testing. Allele origin: germline.
Comment: The RSPH3 c.332G>A variant is predicted to result in premature protein termination (p.Trp111*). This variant is pre-coding in transcript NM_031924.8:c.-95G>A. To our knowledge, this variant has not been reported in the literature. This variant is reported in 0.011% of alleles in individuals of European (Non-Finnish) descent in gnomAD. Nonsense variants in RSPH3 are expected to be pathogenic, however this variant is pre-coding in transcript NM_031924.8:c.-95G>A. Although we suspect that this variant may be pathogenic, at this time the clinical significance of this variant is uncertain due to the absence of conclusive functional and genetic evidence.

Labcorp Genetics (formerly Invitae), Labcorp
Classification: Pathogenic for Primary ciliary dyskinesia 32. Last evaluated: 2025-08-20. Review status: criteria provided, single submitter. Criteria: Invitae Variant Classification Sherloc (09022015). Collection method: clinical testing. Allele origin: germline.
Comment: This sequence change creates a premature translational stop signal (p.Trp111*) in the RSPH3 gene. It is expected to result in an absent or disrupted protein product. Loss-of-function variants in RSPH3 are known to be pathogenic (PMID: 26073779). This variant is present in population databases (rs374014611, gnomAD 0.01%). This variant has not been reported in the literature in individuals affected with RSPH3-related conditions. ClinVar contains an entry for this variant (Variation ID: 1366054). For these reasons, this variant has been classified as Pathogenic.

Genomic Medicine Center of Excellence, King Faisal Specialist Hospital and Research Centre
Classification: Pathogenic for Primary ciliary dyskinesia 32. Review status: criteria provided, single submitter. Criteria: ACMG Guidelines, 2015. Collection method: clinical testing. Allele origin: germline.

Literature cited by the submitters: PubMed 26073779 (cited by Labcorp Genetics (formerly Invitae), Labcorp).